The following is an entry in ClinVar:

NM_002427.4(MMP13):c.1108del (p.Ile370fs)

Gene: MMP13 (matrix metallopeptidase 13; minus strand). Cytogenetic location: 11q22.2.
Variant type: Deletion.
Coding change: c.1108del on transcript NM_002427.4 (MANE Select); coding-DNA position 1108, one base deleted (A; older notation c.1108delA).
Protein change: p.Ile370fs; shifts the reading frame from isoleucine 370.
Molecular consequence: frameshift variant.
Genome position (GRCh38, 1-based): chr11:102,947,994, T deleted on the plus strand (A on the coding strand, the reverse complement: MMP13 is on the minus strand); the first of 7 consecutive T bases (chr11:102,947,994-102,948,000); deleting any one gives the same sequence. VCF-style (leftmost placement, unchanged base first): chr11-102947993-AT-A. GRCh37 (hg19) VCF-style: chr11-102818722-AT-A.
Other names: short protein forms I370fs.
Identifiers: ClinVar variation 3701195 (VCV003701195.2).

ClinVar aggregate classification (germline): Pathogenic (1 of 4 stars; one submission).

Submission:

Labcorp Genetics (formerly Invitae), Labcorp
Classification: Pathogenic. Last evaluated: 2024-07-03. Review status: criteria provided, single submitter. Criteria: Invitae Variant Classification Sherloc (09022015). Collection method: clinical testing. Allele origin: germline.
Comment: This sequence change creates a premature translational stop signal (p.Ile370Tyrfs*13) in the MMP13 gene. It is expected to result in an absent or disrupted protein product. Loss-of-function variants in MMP13 are known to be pathogenic (PMID: 24781753, 31413057). This variant is not present in population databases (gnomAD no frequency). This variant has not been reported in the literature in individuals affected with MMP13-related conditions. Algorithms developed to predict the effect of sequence changes on RNA splicing suggest that this variant may disrupt the consensus splice site. For these reasons, this variant has been classified as Pathogenic.

Literature cited by the submitters: PubMed 24781753; PubMed 31413057.